The following is an entry in ClinVar:

ClinVar aggregate classification (germline): Benign. Review status: criteria provided, multiple submitters, no conflicts (2 of 4 stars). 3 submissions from 3 submitters: Benign (3). Last evaluated 2023-11-12.

Allele frequency attached by ClinVar (database versions not stated): 1000 Genomes Project 0.32768; TOPMed 0.33003; 1000 Genomes Project 30x 0.33026; gnomAD 0.33340 and 0.33493.
gnomAD v4.1: 360,052 of 1,099,838 alleles (33%); highest among the groups gnomAD compares: Middle Eastern, 41%; 59,700 homozygotes.

Submissions (3):

Unidad de Genómica Garrahan, Hospital de Pediatría Garrahan
Classification: Benign. Last evaluated: 2023-11-12. Review status: criteria provided, single submitter. Criteria: ACMG Guidelines, 2015. Collection method: clinical testing. Allele origin: germline. Affected: no. Observed: 19 variant alleles.
Comment: This variant is classified as Benign based on local population frequency. This variant was detected in 20% of patients studied by a panel of primary immunodeficiencies. Number of patients: 19. Only high quality variants are reported.

GeneDx
Classification: Benign. Last evaluated: 2018-11-10. Review status: criteria provided, single submitter. Criteria: GeneDx Variant Classification Process June 2021. Collection method: clinical testing. Allele origin: germline. Affected: yes.

Breakthrough Genomics
Classification: Benign. Review status: criteria provided, single submitter. Criteria: ACMG Guidelines, 2015. Collection method: not provided. Allele origin: germline. Inheritance: Autosomal recessive inheritance. Affected: yes.

NM_003664.5(AP3B1):c.536+104C>T

Gene: AP3B1 (adaptor related protein complex 3 subunit beta 1; minus strand). Cytogenetic location: 5q14.1.
Variant type: single nucleotide variant.
Coding change: c.536+104C>T on transcript NM_003664.5 (MANE Select); 104 bases into the intron after coding-DNA position 536, C replaced by T.
Molecular consequence: intron variant.
Genome position (GRCh38, 1-based): chr5:78,227,268, G>A on the plus strand (C>T on the coding strand, the complement: AP3B1 is on the minus strand). VCF-style: chr5-78227268-G-A. GRCh37 (hg19) VCF-style: chr5-77523092-G-A.
Other names: c.389+104C>T (NM_001271769.2).
Identifiers: ClinVar variation 1261614 (VCV001261614.5), dbSNP rs7714159, ClinGen allele CA16231819.